The following is an entry in ClinVar:

NM_001148.6(ANK2):c.3293G>A (p.Arg1098His)

Gene: ANK2 (ankyrin 2; plus strand). Cytogenetic location: 4q26.
Variant type: single nucleotide variant.
Coding change: c.3293G>A on transcript NM_001148.6 (MANE Select); coding-DNA position 3293, G replaced by A.
Protein change: p.Arg1098His; replaces arginine 1098 with histidine.
Molecular consequence: missense variant.
Genome position (GRCh38, 1-based): chr4:113,333,122, G>A. VCF-style: chr4-113333122-G-A. GRCh37 (hg19) VCF-style: chr4-114254278-G-A.
Other names: c.3266G>A, p.Arg1089His (NM_001127493.3); c.3305G>A, p.Arg1102His (NM_001354225.2); c.3194G>A, p.Arg1065His (NM_001354228.2, NM_001354258.2); c.3272G>A, p.Arg1091His (NM_001354230.2); c.3335G>A, p.Arg1112His (NM_001354231.2, NM_001354242.2); c.3329G>A, p.Arg1110His (NM_001354232.2); c.3290G>A, p.Arg1097His (NM_001354235.2, NM_001354246.2, NM_001354265.2); c.3191G>A, p.Arg1064His (NM_001354236.2); and 29 more; short protein forms R1031H, R1036H, R1046H, R1091H, R1093H, R1097H, R1137H, R970H.
Identifiers: ClinVar variation 1502697 (VCV001502697.7), dbSNP rs764760708, ClinGen allele CA3050818.

ClinVar aggregate classification (germline): Uncertain significance. Review status: criteria provided, multiple submitters, no conflicts (2 of 4 stars). 2 submissions from 2 submitters: Uncertain significance (2). Last evaluated 2024-01-14.

Conditions:
Cardiovascular phenotype. Identifiers: MedGen CN230736.
Long QT syndrome (LQTS). Identifiers: MedGen C0023976, MeSH D008133, MONDO:0002442. Disease mechanism: loss of function. Inheritance: Various modes of inheritance.

Allele frequency attached by ClinVar (database versions not stated): ExAC 0.00001; gnomAD 0.00001; gnomAD exomes 0.00001 and 0.00002; TOPMed 0.00002.
gnomAD v4.1: 24 of 1,614,080 alleles (0.0015%); highest among the groups gnomAD compares: East Asian, 0.0022%; no homozygotes.

Submissions (2):

Ambry Genetics
Classification: Uncertain significance for Cardiovascular phenotype. Last evaluated: 2024-01-14. Review status: criteria provided, single submitter. Criteria: Ambry Variant Classification Scheme 2023. Collection method: clinical testing. Allele origin: germline.
Comment: The p.R1098H variant (also known as c.3293G>A), located in coding exon 29 of the ANK2 gene, results from a G to A substitution at nucleotide position 3293. The arginine at codon 1098 is replaced by histidine, an amino acid with highly similar properties. This amino acid position is conserved. In addition, this alteration is predicted to be deleterious by in silico analysis. Since supporting evidence is limited at this time, the clinical significance of this alteration remains unclear.

Labcorp Genetics (formerly Invitae), Labcorp
Classification: Uncertain significance for Long QT syndrome. Last evaluated: 2022-06-27. Review status: criteria provided, single submitter. Criteria: Invitae Variant Classification Sherloc (09022015). Collection method: clinical testing. Allele origin: germline.
Comment: In summary, the available evidence is currently insufficient to determine the role of this variant in disease. Therefore, it has been classified as a Variant of Uncertain Significance. Algorithms developed to predict the effect of missense changes on protein structure and function are either unavailable or do not agree on the potential impact of this missense change (SIFT: "Deleterious"; PolyPhen-2: "Probably Damaging"; Align-GVGD: "Class C0"). This variant has not been reported in the literature in individuals affected with ANK2-related conditions. This variant is present in population databases (rs764760708, gnomAD 0.006%). This sequence change replaces arginine, which is basic and polar, with histidine, which is basic and polar, at codon 1098 of the ANK2 protein (p.Arg1098His).